The following is an entry in ClinVar:

NM_000455.5(STK11):c.110A>G (p.Gln37Arg)

Gene: STK11 (serine/threonine kinase 11; plus strand). Cytogenetic location: 19p13.3.
Variant type: single nucleotide variant.
Coding change: c.110A>G on transcript NM_000455.5 (MANE Select); coding-DNA position 110, A replaced by G.
Protein change: p.Gln37Arg; replaces glutamine 37 with arginine.
Molecular consequence: missense variant.
Genome position (GRCh38, 1-based): chr19:1,207,023, A>G. VCF-style: chr19-1207023-A-G. GRCh37 (hg19) VCF-style: chr19-1207022-A-G.
Other names: short protein forms Q37R.
Identifiers: ClinVar variation 628125 (VCV000628125.17), dbSNP rs1568690022, ClinGen allele CA402943890.
Genomic context (GRCh38, chr19:1,207,023, plus strand): 5'-TGATGTCGGTGGGTATGGACACGTTCATCCACCGCATCGACTCCACCGAGGTCATCTACC[A>G]GCCGCGCCGCAAGCGGGCCAAGCTCATCGGCAAGTACCTGATGGGGGACCTGCTGGGGGA-3'
Protein context (NP_000446.1, residues 27-47): HRIDSTEVIY[Gln37Arg]PRRKRAKLIG

ClinVar aggregate classification (germline): Uncertain significance. Review status: criteria provided, multiple submitters, no conflicts (2 of 4 stars). 4 submissions from 4 submitters: Uncertain significance (4). Last evaluated 2023-12-04.

Conditions:
Peutz-Jeghers syndrome (PJS). Also called: POLYPOSIS, HAMARTOMATOUS INTESTINAL; POLYPS-AND-SPOTS SYNDROME; Peutz-Jeghers polyposis; Periorificial lentiginosis syndrome. Identifiers: Orphanet 2869, MedGen C0031269, MeSH D010580, MONDO:0008280, OMIM 175200.
Hereditary cancer-predisposing syndrome. Also called: Tumor predisposition; Neoplastic Syndromes, Hereditary; Hereditary Cancer Syndrome; Hereditary neoplastic syndrome. Identifiers: Orphanet 140162, MedGen C0027672, MeSH D009386, MONDO:0015356.

Submissions (4):

Color Diagnostics, LLC DBA Color Health
Classification: Uncertain significance for Hereditary cancer-predisposing syndrome. Last evaluated: 2023-12-04. Review status: criteria provided, single submitter. Criteria: ACMG Guidelines, 2015. Collection method: clinical testing. Allele origin: germline.
Comment: This missense variant replaces glutamine with arginine at codon 37 of the STK11 protein. Computational prediction suggests that this variant may not impact protein structure and function (internally defined REVEL score threshold <= 0.5, PMID: 27666373). To our knowledge, functional studies have not been reported for this variant. This variant has not been reported in individuals affected with STK11-related disorders in the literature. This variant has not been identified in the general population by the Genome Aggregation Database (gnomAD). The available evidence is insufficient to determine the role of this variant in disease conclusively. Therefore, this variant is classified as a Variant of Uncertain Significance.

Labcorp Genetics (formerly Invitae), Labcorp
Classification: Uncertain significance for Peutz-Jeghers syndrome. Last evaluated: 2022-07-11. Review status: criteria provided, single submitter. Criteria: Invitae Variant Classification Sherloc (09022015). Collection method: clinical testing. Allele origin: germline.
Comment: In summary, the available evidence is currently insufficient to determine the role of this variant in disease. Therefore, it has been classified as a Variant of Uncertain Significance. Algorithms developed to predict the effect of missense changes on protein structure and function are either unavailable or do not agree on the potential impact of this missense change (SIFT: "Deleterious"; PolyPhen-2: "Benign"; Align-GVGD: "Class C0"). ClinVar contains an entry for this variant (Variation ID: 628125). This variant has not been reported in the literature in individuals affected with STK11-related conditions. This variant is not present in population databases (gnomAD no frequency). This sequence change replaces glutamine, which is neutral and polar, with arginine, which is basic and polar, at codon 37 of the STK11 protein (p.Gln37Arg).

Genome-Nilou Lab
Classification: Uncertain significance for Peutz-Jeghers syndrome. Last evaluated: 2021-07-15. Review status: criteria provided, single submitter. Criteria: ACMG Guidelines, 2015. Collection method: clinical testing. Allele origin: germline. Affected: no.

Ambry Genetics
Classification: Uncertain significance for Hereditary cancer-predisposing syndrome. Last evaluated: 2019-04-18. Review status: criteria provided, single submitter. Criteria: Ambry Variant Classification Scheme 2023. Collection method: clinical testing. Allele origin: germline.
Comment: The p.Q37R variant (also known as c.110A>G), located in coding exon 1 of the STK11 gene, results from an A to G substitution at nucleotide position 110. The glutamine at codon 37 is replaced by arginine, an amino acid with highly similar properties. This amino acid position is highly conserved in available vertebrate species. In addition, the in silico prediction for this alteration is inconclusive. Since supporting evidence is limited at this time, the clinical significance of this alteration remains unclear.